The following is an entry in ClinVar:

ClinVar aggregate classification (germline): Likely benign (1 of 4 stars; one submission).

Conditions:
LIMS2-related disorder. Also called: LIMS2-related condition.

gnomAD v4.1: 1 of 1,567,316 alleles (0.000064%); highest among the groups gnomAD compares: Non-Finnish European, 0.000086%; no homozygotes.

Submission:

PreventionGenetics, part of Exact Sciences
Classification: Likely benign for LIMS2-related condition. Last evaluated: 2026-05-18. Review status: criteria provided, single submitter. Criteria: ACMG Guidelines, 2015. Collection method: clinical testing. Allele origin: germline.
Comment: This variant is classified as likely benign based on ACMG/AMP sequence variant interpretation guidelines (Richards et al. 2015 PMID: 25741868, with internal and published modifications).

NM_001161403.3(LIMS2):c.360-7C>T

Gene: LIMS2 (LIM zinc finger domain containing 2; minus strand). Cytogenetic location: 2q14.3.
Variant type: single nucleotide variant.
Coding change: c.360-7C>T on transcript NM_001161403.3 (MANE Select); 7 bases into the intron before coding-DNA position 360, C replaced by T.
Molecular consequence: intron variant.
Genome position (GRCh38, 1-based): chr2:127,643,079, G>A on the plus strand (C>T on the coding strand, the complement: LIMS2 is on the minus strand). VCF-style: chr2-127643079-G-A. GRCh37 (hg19) VCF-style: chr2-128400654-G-A.
Other names: c.345-7C>T (NM_001161404.2); c.426-7C>T (NM_001136037.4); c.432-7C>T (NM_017980.5); c.-97-7C>T (NM_001256542.2).
Identifiers: ClinVar variation 4980488 (VCV004980488.1).